The following is an entry in ClinVar:

ClinVar aggregate classification (germline): Uncertain significance. Review status: criteria provided, multiple submitters, no conflicts (2 of 4 stars). 2 submissions from 2 submitters: Uncertain significance (2). Last evaluated 2025-07-01.

Conditions:
Inborn genetic diseases. Identifiers: MedGen C0950123, MeSH D030342.

gnomAD v4.1: 28 of 1,612,842 alleles (0.0017%); highest among the groups gnomAD compares: Non-Finnish European, 0.0024%; no homozygotes.

Submissions (2):

GeneDx
Classification: Uncertain significance. Last evaluated: 2025-07-01. Review status: criteria provided, single submitter. Criteria: GeneDx Variant Classification Process June 2021. Collection method: clinical testing. Allele origin: germline. Affected: yes.
Comment: Not observed at significant frequency in large population cohorts (gnomAD); In silico analysis supports that this missense variant has a deleterious effect on protein structure/function; Has not been previously published as pathogenic or benign to our knowledge

Ambry Genetics
Classification: Uncertain significance for Inborn genetic diseases. Last evaluated: 2025-05-01. Review status: criteria provided, single submitter. Criteria: Ambry Variant Classification Scheme 2023. Collection method: clinical testing. Allele origin: germline.

NM_000426.4(LAMA2):c.8689C>G (p.Arg2897Gly)

Gene: LAMA2 (laminin subunit alpha 2; plus strand). Cytogenetic location: 6q22.33.
Variant type: single nucleotide variant.
Coding change: c.8689C>G on transcript NM_000426.4 (MANE Select); coding-DNA position 8689, C replaced by G.
Protein change: p.Arg2897Gly; replaces arginine 2897 with glycine.
Molecular consequence: missense variant.
Genome position (GRCh38, 1-based): chr6:129,505,341, C>G. VCF-style: chr6-129505341-C-G. GRCh37 (hg19) VCF-style: chr6-129826486-C-G.
Other names: c.8677C>G, p.Arg2893Gly (NM_001079823.2); short protein forms R2897G, R2893G.
Identifiers: ClinVar variation 4045866 (VCV004045866.2).